The following is an entry in ClinVar:

ClinVar aggregate classification (germline): Uncertain significance. Review status: criteria provided, multiple submitters, no conflicts (2 of 4 stars). 4 submissions from 4 submitters: Uncertain significance (4). Last evaluated 2025-07-07.

Conditions:
Inborn genetic diseases. Identifiers: MedGen C0950123, MeSH D030342.
SAMD9-related disorder. Also called: SAMD9-related condition.
Monosomy 7 myelodysplasia and leukemia syndrome 2. Identifiers: MedGen C5436668, MONDO:0030801, OMIM 619041.

gnomAD v4.1: 17 of 1,613,592 alleles (0.0011%); highest among the groups gnomAD compares: Non-Finnish European, 0.0014%; no homozygotes.

Submissions (4):

Ambry Genetics
Classification: Uncertain significance for Inborn genetic diseases. Last evaluated: 2025-07-07. Review status: criteria provided, single submitter. Criteria: Ambry Variant Classification Scheme 2023. Collection method: clinical testing. Allele origin: germline.
Comment: The p.L923F variant (also known as c.2767C>T), located in coding exon 1 of the SAMD9 gene, results from a C to T substitution at nucleotide position 2767. The leucine at codon 923 is replaced by phenylalanine, an amino acid with highly similar properties. This amino acid position is conserved. In addition, this alteration is predicted to be tolerated by in silico analysis. Based on the available evidence, the clinical significance of this variant remains unclear.

St. Jude Molecular Pathology, St. Jude Children's Research Hospital
Classification: Uncertain significance for Monosomy 7 myelodysplasia and leukemia syndrome 2. Last evaluated: 2025-01-29. Review status: criteria provided, single submitter. Criteria: St. Jude Assertion Criteria 2020. Collection method: clinical testing. Allele origin: germline.
Comment: The SAMD9 c.2767C>T (p.Leu923Phe) missense change has a maximum subpopulation frequency of 0.00089% in gnomAD v2.1.1. The in silico tool REVEL predicts a benign effect on protein function, however in silico predictions have not been found to correlate with syndromic risk and are thus not considered supporting evidence of a pathogenic or benign effect (PMID: 34621053). This variant has not been reported in individuals with SAMD9-associated conditions. In summary, the evidence currently available is insufficient to determine the clinical significance of this variant. It has therefore been classified as of uncertain significance.

Labcorp Genetics (formerly Invitae), Labcorp
Classification: Uncertain significance. Last evaluated: 2025-01-18. Review status: criteria provided, single submitter. Criteria: Invitae Variant Classification Sherloc (09022015). Collection method: clinical testing. Allele origin: germline.
Comment: This sequence change replaces leucine, which is neutral and non-polar, with phenylalanine, which is neutral and non-polar, at codon 923 of the SAMD9 protein (p.Leu923Phe). This variant is present in population databases (rs755110531, gnomAD 0.0009%). This variant has not been reported in the literature in individuals affected with SAMD9-related conditions. Invitae Evidence Modeling of protein sequence and biophysical properties (such as structural, functional, and spatial information, amino acid conservation, physicochemical variation, residue mobility, and thermodynamic stability) has been performed for this missense variant. However, the output from this modeling did not meet the statistical confidence thresholds required to predict the impact of this variant on SAMD9 protein function. In summary, the available evidence is currently insufficient to determine the role of this variant in disease. Therefore, it has been classified as a Variant of Uncertain Significance.

PreventionGenetics, part of Exact Sciences
Classification: Uncertain significance for SAMD9-related condition. Last evaluated: 2025-01-09. Review status: criteria provided, single submitter. Criteria: ACMG Guidelines, 2015. Collection method: clinical testing. Allele origin: germline.
Comment: The SAMD9 c.2767C>T variant is predicted to result in the amino acid substitution p.Leu923Phe. To our knowledge, this variant has not been reported in the literature. This variant is reported in 0.00089% of alleles in individuals of European (Non-Finnish) descent in gnomAD. At this time, the clinical significance of this variant is uncertain due to the absence of conclusive functional and genetic evidence.

NM_017654.4(SAMD9):c.2767C>T (p.Leu923Phe)

Gene: SAMD9 (sterile alpha motif domain containing 9; minus strand). Cytogenetic location: 7q21.2.
Variant type: single nucleotide variant.
Coding change: c.2767C>T on transcript NM_017654.4 (MANE Select); coding-DNA position 2767, C replaced by T.
Protein change: p.Leu923Phe; replaces leucine 923 with phenylalanine.
Molecular consequence: missense variant.
Genome position (GRCh38, 1-based): chr7:93,103,331, G>A on the plus strand (C>T on the coding strand, the complement: SAMD9 is on the minus strand). VCF-style: chr7-93103331-G-A. GRCh37 (hg19) VCF-style: chr7-92732644-G-A.
Other names: c.2767C>T (NM_017654.3); c.2767C>T, p.Leu923Phe (NM_001193307.2); short protein forms L923F.
Identifiers: ClinVar variation 3602700 (VCV003602700.5).